The following is an entry in ClinVar:

ClinVar aggregate classification (germline): Conflicting classifications of pathogenicity. Review status: criteria provided, conflicting classifications (1 of 4 stars). 3 submissions from 3 submitters: Likely pathogenic (1); Uncertain significance (1). 1 of the submissions does not count toward it. Last evaluated 2023-09-15.

Conditions:
FG syndrome 4 (FGS4). Identifiers: MedGen C1845546, MONDO:0010318, OMIM 300422.
Intellectual disability, CASK-related, X-linked. Identifiers: MedGen CN043158.

Submissions (3):

GeneDx
Classification: Likely pathogenic. Last evaluated: 2023-09-15. Review status: criteria provided, single submitter. Criteria: GeneDx Variant Classification Process June 2021. Collection method: clinical testing. Allele origin: germline. Affected: yes.
Comment: Published functional studies demonstrate an adverse effect on hydrogen bonds and Liprin-alpha2 binding thus affecting cell survival (Guo et al., 2023); Not observed at significant frequency in large population cohorts (gnomAD); In silico analysis supports that this missense variant does not alter protein structure/function; This variant is associated with the following publications: (PMID: 33090494, 19377476, 23406872, 24505460, 37190086)

Labcorp Genetics (formerly Invitae), Labcorp
Classification: Uncertain significance for Intellectual disability, CASK-related, X-linked. Last evaluated: 2022-04-22. Review status: criteria provided, single submitter. Criteria: Invitae Variant Classification Sherloc (09022015). Collection method: clinical testing. Allele origin: germline.
Comment: In summary, the available evidence is currently insufficient to determine the role of this variant in disease. Therefore, it has been classified as a Variant of Uncertain Significance. Experimental studies have shown that this missense change does not substantially affect CASK function (PMID: 23406872, 24505460, 33090494). Algorithms developed to predict the effect of missense changes on protein structure and function are either unavailable or do not agree on the potential impact of this missense change (SIFT: "Deleterious"; PolyPhen-2: "Benign"; Align-GVGD: "Class C65"). ClinVar contains an entry for this variant (Variation ID: 11533). This missense change has been observed in individual(s) with CASK-related conditions (PMID: 20029458). It has also been observed to segregate with disease in related individuals. This variant is not present in population databases (gnomAD no frequency). This sequence change replaces tyrosine, which is neutral and polar, with histidine, which is basic and polar, at codon 268 of the CASK protein (p.Tyr268His).

OMIM
Classification: Pathogenic for INTELLECTUAL DEVELOPMENTAL DISORDER, X-LINKED, WITH NYSTAGMUS. Last evaluated: 2009-05-01. Review status: no assertion criteria provided. Collection method: literature only. Allele origin: germline. Not counted in ClinVar's aggregate classification.

Literature cited by the submitters: PubMed 23406872 (cited by Labcorp Genetics (formerly Invitae), Labcorp); PubMed 24505460 (cited by Labcorp Genetics (formerly Invitae), Labcorp); PubMed 33090494 (cited by Labcorp Genetics (formerly Invitae), Labcorp); PubMed 20029458 (cited by Labcorp Genetics (formerly Invitae), Labcorp); PubMed 19377476 (cited by OMIM); PubMed 37190086 (cited by OMIM).

NM_001367721.1(CASK):c.802T>C (p.Tyr268His)

Gene: CASK (calcium/calmodulin dependent serine protein kinase; minus strand). Cytogenetic location: Xp11.4.
Variant type: single nucleotide variant.
Coding change: c.802T>C on transcript NM_001367721.1 (MANE Select); coding-DNA position 802, T replaced by C.
Protein change: p.Tyr268His; replaces tyrosine 268 with histidine.
Molecular consequence: missense variant.
Genome position (GRCh38, 1-based): chrX:41,660,468, A>G on the plus strand (T>C on the coding strand, the complement: CASK is on the minus strand). VCF-style: chrX-41660468-A-G. GRCh37 (hg19) VCF-style: chrX-41519721-A-G.
Other names: c.802T>C, p.Tyr268His (NM_001126054.3, NM_001126055.3, NM_001410745.1 and 1 more transcripts); short protein forms Y268H.
Identifiers: ClinVar variation 11533 (VCV000011533.12), dbSNP rs137852817, ClinGen allele CA121533.